The following is an entry in ClinVar:

NM_002471.4(MYH6):c.5163+1G>A

Genes: MYH6 (myosin heavy chain 6; minus strand), LOC126861896 (BRD4-independent group 4 enhancer GRCh37_chr14:23854904-23856103; plus strand). Cytogenetic location: 14q11.2.
Variant type: single nucleotide variant.
Coding change: c.5163+1G>A on transcript NM_002471.4 (MANE Select); the canonical splice donor site of the intron after coding-DNA position 5163, G replaced by A.
Molecular consequence: splice donor variant.
Genome position (GRCh38, 1-based): chr14:23,385,927, C>T on the plus strand (G>A on the coding strand, the complement: MYH6 is on the minus strand). VCF-style: chr14-23385927-C-T. GRCh37 (hg19) VCF-style: chr14-23855136-C-T.
Identifiers: ClinVar variation 4079316 (VCV004079316.3).
Genomic context (GRCh38, chr14:23,385,927, plus strand): 5'-TCTAGATGTCCTGGGCTCTGCACTCAGTAGGTTTCCACAAGGTGGCTCCTGACCCCCTCA[C>T]CTGGGAATGCAGCAGCTGCACCCGCTCGCTGGTCTCAATCAGCTCCTGCTCCGCCAGCTT-3'

ClinVar aggregate classification (germline): Uncertain significance. Review status: criteria provided, multiple submitters, no conflicts (2 of 4 stars). 3 submissions from 3 submitters: Uncertain significance (3). Last evaluated 2026-01-26.

Conditions:
Hypertrophic cardiomyopathy 14. Identifiers: MedGen C2750467, MONDO:0013197, OMIM 613251.

Submissions (3):

GeneDx
Classification: Uncertain significance. Last evaluated: 2026-01-26. Review status: criteria provided, single submitter. Criteria: GeneDx Variant Classification Process June 2021. Collection method: clinical testing. Allele origin: germline.
Comment: Canonical splice site variant with an unclear effect on protein function; Not observed at significant frequency in large population cohorts (gnomAD); Has not been previously published as pathogenic or benign to our knowledge

Labcorp Genetics (formerly Invitae), Labcorp
Classification: Uncertain significance for Hypertrophic cardiomyopathy 14. Last evaluated: 2025-05-07. Review status: criteria provided, single submitter. Criteria: Invitae Variant Classification Sherloc (09022015). Collection method: clinical testing. Allele origin: germline.
Comment: This sequence change affects a donor splice site in intron 34 of the MYH6 gene. It is expected to disrupt RNA splicing. Variants that disrupt the donor or acceptor splice site typically lead to a loss of protein function (PMID: 16199547), however the current clinical and genetic evidence is not sufficient to establish whether loss-of-function variants in MYH6 cause disease. This variant is not present in population databases (gnomAD no frequency). This variant has not been reported in the literature in individuals affected with MYH6-related conditions. Algorithms developed to predict the effect of sequence changes on RNA splicing suggest that this variant may disrupt the consensus splice site. In summary, the available evidence is currently insufficient to determine the role of this variant in disease. Therefore, it has been classified as a Variant of Uncertain Significance.

Revvity Omics, Revvity
Classification: Uncertain significance. Last evaluated: 2025-01-29. Review status: criteria provided, single submitter. Criteria: ACMG Guidelines, 2015. Collection method: clinical testing. Allele origin: germline.

Literature cited by the submitters: PubMed 16199547 (cited by Labcorp Genetics (formerly Invitae), Labcorp).